The following is an entry in ClinVar:

NM_003919.3(SGCE):c.328A>G (p.Ser110Gly)

Genes: CASD1 (CAS1 domain sialic acid O acetyltransferase 1; plus strand), SGCE (sarcoglycan epsilon; minus strand). Cytogenetic location: 7q21.3.
Variant type: single nucleotide variant.
Coding change: c.328A>G on transcript NM_003919.3 (MANE Select); coding-DNA position 328, A replaced by G.
Protein change: p.Ser110Gly; replaces serine 110 with glycine.
Molecular consequence: missense variant.
Genome position (GRCh38, 1-based): chr7:94,628,264, T>C on the plus strand (A>G on the coding strand, the complement: SGCE is on the minus strand). VCF-style: chr7-94628264-T-C. GRCh37 (hg19) VCF-style: chr7-94257576-T-C.
Other names: c.328A>G, p.Ser110Gly (NM_001099400.2, NM_001099401.2, NM_001346717.2); c.205A>G, p.Ser69Gly (NM_001301139.2, NM_001362809.2); c.436A>G, p.Ser146Gly (NM_001346713.2, NM_001346715.2); c.241A>G, p.Ser81Gly (NM_001346719.2, NM_001362807.2); c.55A>G, p.Ser19Gly (NM_001346720.2, NM_001362808.2); short protein forms S110G, S146G, S19G, S69G, S81G.
Identifiers: ClinVar variation 849838 (VCV000849838.11), dbSNP rs370382282, ClinGen allele CA4348839.

ClinVar aggregate classification (germline): Uncertain significance. Review status: criteria provided, multiple submitters, no conflicts (2 of 4 stars). 3 submissions from 3 submitters: Uncertain significance (3). Last evaluated 2025-06-27.

Conditions:
Inborn genetic diseases. Identifiers: MedGen C0950123, MeSH D030342.
Myoclonic dystonia 11 (DYT11). Also called: Myoclonic dystonia; DYT-SGCE; Dystonia 11; Dystonia, alcohol responsive; Hereditary essential myoclonus; SGCE Myoclonus-Dystonia. Identifiers: Orphanet 36899, MedGen C1834570, MONDO:0008044, OMIM 159900.

Allele frequency attached by ClinVar (database versions not stated): ExAC 0.00001; gnomAD exomes 0.00001; ESP Exome Variant Server 0.00008; TOPMed 0.00010; gnomAD 0.00011 and 0.00012.
gnomAD v4.1: 25 of 1,610,346 alleles (0.0016%); highest among the groups gnomAD compares: African/African-American, 0.031%; no homozygotes.

Submissions (3):

Labcorp Genetics (formerly Invitae), Labcorp
Classification: Uncertain significance for Myoclonic dystonia 11. Last evaluated: 2025-06-27. Review status: criteria provided, single submitter. Criteria: Invitae Variant Classification Sherloc (09022015). Collection method: clinical testing. Allele origin: germline.
Comment: This sequence change replaces serine, which is neutral and polar, with glycine, which is neutral and non-polar, at codon 110 of the SGCE protein (p.Ser110Gly). This variant is present in population databases (rs370382282, gnomAD 0.02%). This variant has not been reported in the literature in individuals affected with SGCE-related conditions. ClinVar contains an entry for this variant (Variation ID: 849838). Invitae Evidence Modeling of protein sequence and biophysical properties (such as structural, functional, and spatial information, amino acid conservation, physicochemical variation, residue mobility, and thermodynamic stability) indicates that this missense variant is not expected to disrupt SGCE protein function with a negative predictive value of 80%. In summary, the available evidence is currently insufficient to determine the role of this variant in disease. Therefore, it has been classified as a Variant of Uncertain Significance.

GeneDx
Classification: Uncertain significance. Last evaluated: 2025-01-08. Review status: criteria provided, single submitter. Criteria: GeneDx Variant Classification Process June 2021. Collection method: clinical testing. Allele origin: germline. Affected: yes.
Comment: In silico analysis indicates that this missense variant does not alter protein structure/function; Has not been previously published as pathogenic or benign to our knowledge

Ambry Genetics
Classification: Uncertain significance for Inborn genetic diseases. Last evaluated: 2024-08-21. Review status: criteria provided, single submitter. Criteria: Ambry Variant Classification Scheme 2023. Collection method: clinical testing. Allele origin: germline.